The following is an entry in ClinVar:

ClinVar aggregate classification (germline): Uncertain significance (1 of 4 stars; one submission).

Conditions:
Exostoses, multiple, type 2 (EXT2). Also called: Hereditary Multiple Osteochondromatosis, Type II; EXOSTOSES, MULTIPLE, TYPE II. Identifiers: Orphanet 321, MedGen C1851413, MONDO:0007586, OMIM 133701.

Allele frequency attached by ClinVar (database versions not stated): ExAC 0.00001.
gnomAD v4.1: 1 of 1,614,104 alleles (0.000062%); no homozygotes.

Submission:

Labcorp Genetics (formerly Invitae), Labcorp
Classification: Uncertain significance for Exostoses, multiple, type 2. Last evaluated: 2024-12-14. Review status: criteria provided, single submitter. Criteria: Invitae Variant Classification Sherloc (09022015). Collection method: clinical testing. Allele origin: germline.
Comment: This sequence change replaces leucine, which is neutral and non-polar, with phenylalanine, which is neutral and non-polar, at codon 272 of the EXT2 protein (p.Leu272Phe). This variant is present in population databases (rs752001201, gnomAD 0.0009%). This variant has not been reported in the literature in individuals affected with EXT2-related conditions. ClinVar contains an entry for this variant (Variation ID: 2884624). Invitae Evidence Modeling of protein sequence and biophysical properties (such as structural, functional, and spatial information, amino acid conservation, physicochemical variation, residue mobility, and thermodynamic stability) indicates that this missense variant is not expected to disrupt EXT2 protein function with a negative predictive value of 95%. In summary, the available evidence is currently insufficient to determine the role of this variant in disease. Therefore, it has been classified as a Variant of Uncertain Significance.

NM_207122.2(EXT2):c.814C>T (p.Leu272Phe)

Gene: EXT2 (exostosin glycosyltransferase 2; plus strand). Cytogenetic location: 11p11.2.
Variant type: single nucleotide variant.
Coding change: c.814C>T on transcript NM_207122.2 (MANE Select); coding-DNA position 814, C replaced by T.
Protein change: p.Leu272Phe; replaces leucine 272 with phenylalanine.
Molecular consequence: missense variant.
Genome position (GRCh38, 1-based): chr11:44,124,859, C>T. VCF-style: chr11-44124859-C-T. GRCh37 (hg19) VCF-style: chr11-44146409-C-T.
Other names: c.913C>T, p.Leu305Phe (NM_000401.3); c.814C>T, p.Leu272Phe (NM_001178083.3, NM_001389628.1, NM_001389630.1); short protein forms L272F, L305F.
Identifiers: ClinVar variation 2884624 (VCV002884624.3), dbSNP rs752001201, ClinGen allele CA5955012.